The following is an entry in ClinVar:

NM_153766.3(KCNJ1):c.174G>A (p.Trp58Ter)

Gene: KCNJ1 (potassium inwardly rectifying channel subfamily J member 1; minus strand). Cytogenetic location: 11q24.3.
Variant type: single nucleotide variant.
Coding change: c.174G>A on transcript NM_153766.3 (MANE Select); coding-DNA position 174, G replaced by A.
Protein change: p.Trp58Ter; replaces tryptophan 58 with a stop codon.
Molecular consequence: nonsense.
Genome position (GRCh38, 1-based): chr11:128,840,070, C>T on the plus strand (G>A on the coding strand, the complement: KCNJ1 is on the minus strand). VCF-style: chr11-128840070-C-T. GRCh37 (hg19) VCF-style: chr11-128709965-C-T.
Other names: c.231G>A, p.Trp77Ter (NM_000220.6); c.174G>A, p.Trp58Ter (NM_153764.3, NM_153767.4); c.225G>A, p.Trp75Ter (NM_153765.3); short protein forms W77*, W58*, W75*.
Identifiers: ClinVar variation 2735789 (VCV002735789.3), dbSNP rs2497572965, ClinGen allele CA383246942.

ClinVar aggregate classification (germline): Pathogenic (1 of 4 stars; one submission).

Submission:

Labcorp Genetics (formerly Invitae), Labcorp
Classification: Pathogenic. Last evaluated: 2023-07-03. Review status: criteria provided, single submitter. Criteria: Invitae Variant Classification Sherloc (09022015). Collection method: clinical testing. Allele origin: germline.
Comment: This sequence change creates a premature translational stop signal (p.Trp77*) in the KCNJ1 gene. While this is not anticipated to result in nonsense mediated decay, it is expected to disrupt the last 315 amino acid(s) of the KCNJ1 protein. This variant is not present in population databases (gnomAD no frequency). This premature translational stop signal has been observed in individual(s) with Bartter syndrome (PMID: 18391953). This variant disrupts a region of the KCNJ1 protein in which other variant(s) (p.Arg338*) have been determined to be pathogenic (PMID: 9002665, 19096086). This suggests that this is a clinically significant region of the protein, and that variants that disrupt it are likely to be disease-causing. For these reasons, this variant has been classified as Pathogenic.

Literature cited by the submitters: PubMed 18391953; PubMed 9002665; PubMed 19096086.